The following is an entry in ClinVar:

ClinVar aggregate classification (germline): Uncertain significance (1 of 4 stars; one submission).

Conditions:
Cardiac anomalies - developmental delay - facial dysmorphism syndrome (MRFACD). Also called: Impaired intellectual development and distinctive facial features with or without cardiac defects; MED13L Syndrome. Identifiers: Orphanet 369891, MedGen C5192431, MONDO:0014773, OMIM 616789.

Submission:

University of Washington Department of Laboratory Medicine, University of Washington
Classification: Uncertain significance for Cardiac anomalies - developmental delay - facial dysmorphism syndrome. Last evaluated: 2022-06-16. Review status: criteria provided, single submitter. Criteria: ACMG Guidelines, 2015. Collection method: clinical testing. Allele origin: de novo. Affected: yes.
Comment: It is located in exon 12 of 31 exons. The p.Glu748Gly variant was absent from large population databases, including the Genome Aggregation Database. In silico tools do not consistently predict if this variant impacts protein function. Using ACMG guidelines, this variant was classified as a variant of uncertain significance (ACMG evidence codes used: PS2_supporting, PM2_supporting).

NM_015335.5(MED13L):c.2243A>G (p.Glu748Gly)

Gene: MED13L (mediator complex subunit 13L; minus strand). Cytogenetic location: 12q24.21.
Variant type: single nucleotide variant.
Coding change: c.2243A>G on transcript NM_015335.5 (MANE Select); coding-DNA position 2243, A replaced by G.
Protein change: p.Glu748Gly; replaces glutamic acid 748 with glycine.
Molecular consequence: missense variant.
Genome position (GRCh38, 1-based): chr12:116,006,407, T>C on the plus strand (A>G on the coding strand, the complement: MED13L is on the minus strand). VCF-style: chr12-116006407-T-C. GRCh37 (hg19) VCF-style: chr12-116444212-T-C.
Other names: c.2243A>G (NM_015335.4); short protein forms E748G.
Identifiers: ClinVar variation 3777176 (VCV003777176.1).